The following is an entry in ClinVar:

ClinVar aggregate classification (germline): Uncertain significance (1 of 4 stars; one submission).

Allele frequency attached by ClinVar (database versions not stated): gnomAD exomes below 0.00001.
gnomAD v4.1: 3 of 1,599,706 alleles (0.00019%); highest among the groups gnomAD compares: Admixed American, 0.005%; no homozygotes.

Submission:

Labcorp Genetics (formerly Invitae), Labcorp
Classification: Uncertain significance. Last evaluated: 2022-11-15. Review status: criteria provided, single submitter. Criteria: Invitae Variant Classification Sherloc (09022015). Collection method: clinical testing. Allele origin: germline.
Comment: This sequence change replaces threonine, which is neutral and polar, with serine, which is neutral and polar, at codon 394 of the P3H2 protein (p.Thr394Ser). This variant is present in population databases (no rsID available, gnomAD 0.009%). This variant has not been reported in the literature in individuals affected with P3H2-related conditions. Advanced modeling of protein sequence and biophysical properties (such as structural, functional, and spatial information, amino acid conservation, physicochemical variation, residue mobility, and thermodynamic stability) performed at Invitae indicates that this missense variant is not expected to disrupt P3H2 protein function. In summary, the available evidence is currently insufficient to determine the role of this variant in disease. Therefore, it has been classified as a Variant of Uncertain Significance.

NM_018192.4(P3H2):c.1181C>G (p.Thr394Ser)

Gene: P3H2 (prolyl 3-hydroxylase 2; minus strand). Cytogenetic location: 3q28.
Variant type: single nucleotide variant.
Coding change: c.1181C>G on transcript NM_018192.4 (MANE Select); coding-DNA position 1181, C replaced by G.
Protein change: p.Thr394Ser; replaces threonine 394 with serine.
Molecular consequence: missense variant.
Genome position (GRCh38, 1-based): chr3:189,986,795, G>C on the plus strand (C>G on the coding strand, the complement: P3H2 is on the minus strand). VCF-style: chr3-189986795-G-C. GRCh37 (hg19) VCF-style: chr3-189704584-G-C.
Other names: c.638C>G, p.Thr213Ser (NM_001134418.2); short protein forms T394S, T213S.
Identifiers: ClinVar variation 1919905 (VCV001919905.5), dbSNP rs1171947478, ClinGen allele CA355757056.
Genomic context (GRCh38, chr3:189,986,795, plus strand): 5'-AAAAGGATTCCACTGAATCATTATTTTAATAAACGTTTCCTCTTTCCTCTTACCGGTTCA[G>C]TGTATGAAAACCCCAGACCTTCTGCAGCTGATTTTATCAGCTCAGACTCCAGCTTATGAC-3'
Protein context (NP_060662.2, residues 384-404): SAAEGLGFSY[Thr394Ser]EPNYWIRYGG